The following is an entry in ClinVar:

ClinVar aggregate classification (germline): Uncertain significance (1 of 4 stars; one submission).

Submission:

Women's Health and Genetics/Laboratory Corporation of America, LabCorp
Classification: Uncertain significance. Last evaluated: 2026-05-06. Review status: criteria provided, single submitter. Criteria: LabCorp Variant Classification Summary - May 2015. Collection method: clinical testing. Allele origin: germline.
Comment: Variant summary: AGXT c.22G>T (p.Val8Leu) results in a conservative amino acid change in the encoded protein sequence. Algorithms developed to predict the effect of missense changes on protein structure and function all suggest that this variant is likely to be tolerated. The variant was absent in 245702 control chromosomes. The available data on variant occurrences in the general population are insufficient to allow any conclusion about variant significance. To our knowledge, no occurrence of c.22G>T in individuals affected with AGXT-related conditions and no experimental evidence demonstrating its impact on protein function have been reported. No submitters have cited clinical-significance assessments for this variant to ClinVar. Based on the evidence outlined above, the variant was classified as uncertain significance.

NM_000030.3(AGXT):c.22G>T (p.Val8Leu)

Gene: AGXT (alanine--glyoxylate aminotransferase; plus strand). Cytogenetic location: 2q37.3.
Variant type: single nucleotide variant.
Coding change: c.22G>T on transcript NM_000030.3 (MANE Select); coding-DNA position 22, G replaced by T.
Protein change: p.Val8Leu; replaces valine 8 with leucine.
Molecular consequence: missense variant.
Genome position (GRCh38, 1-based): chr2:240,868,887, G>T. VCF-style: chr2-240868887-G-T. GRCh37 (hg19) VCF-style: chr2-241808304-G-T.
Other names: short protein forms V8L.
Identifiers: ClinVar variation 4853531 (VCV004853531.1).